The following is an entry in ClinVar:

ClinVar aggregate classification (germline): Pathogenic/Likely pathogenic. Review status: criteria provided, multiple submitters, no conflicts (2 of 4 stars). 7 submissions from 7 submitters: Pathogenic (5); Likely pathogenic (1). 1 of the submissions does not count toward it. Last evaluated 2026-02-11.

Conditions:
Methylmalonic aciduria and homocystinuria type cblF. Also called: VITAMIN B12 LYSOSOMAL RELEASE DEFECT; VITAMIN B12 STORAGE DISEASE; COBALAMIN F DISEASE; COBALAMIN, DEFECT IN LYSOSOMAL RELEASE OF; METHYLMALONIC ACIDEMIA AND HOMOCYSTINURIA, cblF TYPE; METHYLMALONIC ACIDURIA DUE TO VITAMIN B12-RELEASE DEFECT. Identifiers: Orphanet 79284, MedGen C1848578, MONDO:0010183, OMIM 277380.
Cobalamin C disease. Also called: methylmalonic aciduria and homocystinuria type cblC; Cobalamin-C methylmalonic acidemia and homocystinuria; Methylmalonic acidemia and homocystinuria cblC type; Methylmalonic aciduria and homocystinuria, Vitamin B12-responsive; Vitamin B12 metabolic defect with combined deficiency of methylmalonyl-CoA mutase and homocysteine:methyltetrahydrofolate methyltransferase; Methylmalonic aciduria with homocystinuria cblC type. Identifiers: Orphanet 26, Orphanet 79282, MedGen C1848561, MONDO:0010184, OMIM 277400.

Submissions (7):

Dasa
Classification: Pathogenic. Last evaluated: 2026-02-11. Review status: criteria provided, single submitter. Criteria: DASA Assertion Criteria. Collection method: clinical testing. Allele origin: germline.
Comment: NM_018368.4(LMBRD1):c.515_516del (p.Thr172Argfs*10) is a frameshift variant in LMBRD1 predicted to alter the reading frame and introduce a premature termination codon and is predicted to result in an absent or altered protein product. Loss of function is an established disease mechanism for LMBRD1-associated disorders. This variant has been reported in individuals with LMBRD1-related disorders (PMID: 34958133). Also, this variant is rare in population databases. Based on the currently available evidence, this variant is classified as pathogenic.

Women's Health and Genetics/Laboratory Corporation of America, LabCorp
Classification: Pathogenic for Cobalamin C disease. Last evaluated: 2024-09-10. Review status: criteria provided, single submitter. Criteria: LabCorp Variant Classification Summary - May 2015. Collection method: clinical testing. Allele origin: germline.
Comment: Variant summary: LMBRD1 c.515_516delCA (p.Thr172ArgfsX10) results in a premature termination codon, predicted to cause a truncation of the encoded protein or absence of the protein due to nonsense mediated decay, which are commonly known mechanisms for disease. The variant allele was found at a frequency of 2.8e-05 in 251120 control chromosomes. c.515_516delCA has been reported in the literature the homozygous state in at least 1 individual affected with clinical features of LMBRD1-related conditions (example, Braz_2022). The following publication has been ascertained in the context of this evaluation (PMID: 34958133). ClinVar contains an entry for this variant (Variation ID: 517). Based on the evidence outlined above, the variant was classified as pathogenic.

Fulgent Genetics
Classification: Pathogenic for Methylmalonic aciduria and homocystinuria type cblF. Last evaluated: 2024-06-19. Review status: criteria provided, single submitter. Criteria: ACMG Guidelines, 2015. Collection method: clinical testing. Allele origin: germline.

Labcorp Genetics (formerly Invitae), Labcorp
Classification: Pathogenic for Methylmalonic aciduria and homocystinuria type cblF. Last evaluated: 2024-03-20. Review status: criteria provided, single submitter. Criteria: Invitae Variant Classification Sherloc (09022015). Collection method: clinical testing. Allele origin: germline.
Comment: This sequence change creates a premature translational stop signal (p.Thr172Argfs*10) in the LMBRD1 gene. It is expected to result in an absent or disrupted protein product. Loss-of-function variants in LMBRD1 are known to be pathogenic (PMID: 19136951, 21303734). This variant is present in population databases (rs779151199, gnomAD 0.02%). This premature translational stop signal has been observed in individual(s) with LMBRD1-related conditions (PMID: 34958133). ClinVar contains an entry for this variant (Variation ID: 517). For these reasons, this variant has been classified as Pathogenic.

GeneDx
Classification: Likely pathogenic. Last evaluated: 2023-04-20. Review status: criteria provided, single submitter. Criteria: GeneDx Variant Classification Process June 2021. Collection method: clinical testing. Allele origin: germline. Affected: yes.
Comment: Frameshift variant predicted to result in protein truncation or nonsense mediated decay in a gene for which loss of function is a known mechanism of disease; This variant is associated with the following publications: (PMID: 31589614, Braz2022[thesis], 19136951, 34958133)

Genetic Services Laboratory, University of Chicago
Classification: Pathogenic. Last evaluated: 2017-09-19. Review status: criteria provided, single submitter. Criteria: ACMG Guidelines, 2015. Collection method: clinical testing. Allele origin: germline. Affected: yes.

OMIM
Classification: Pathogenic for METHYLMALONIC ACIDURIA AND HOMOCYSTINURIA, cblF TYPE. Last evaluated: 2009-02-01. Review status: no assertion criteria provided. Collection method: literature only. Allele origin: germline. Not counted in ClinVar's aggregate classification.

Literature cited by the submitters: PubMed 34958133 (cited by 3 submitters); PubMed 19136951 (cited by Labcorp Genetics (formerly Invitae), Labcorp and OMIM); PubMed 21303734 (cited by Labcorp Genetics (formerly Invitae), Labcorp).

NM_018368.4(LMBRD1):c.515_516del (p.Thr172fs)

Gene: LMBRD1 (LMBR1 domain containing 1; minus strand). Cytogenetic location: 6q13.
Variant type: Deletion.
Coding change: c.515_516del on transcript NM_018368.4 (MANE Select); coding-DNA positions 515 to 516, 2 bases deleted (CA; older notation c.515_516delCA).
Protein change: p.Thr172fs; shifts the reading frame from threonine 172.
Molecular consequence: frameshift variant.
Genome position (GRCh38, 1-based): chr6:69,741,835-69,741,836, TG deleted on the plus strand (CA on the coding strand, the reverse complement: LMBRD1 is on the minus strand); deleting any 2 consecutive bases within chr6:69,741,835-69,741,837 gives the same sequence; the c. name uses the placement nearest the transcript's 3' end. VCF-style (leftmost placement, unchanged base first): chr6-69741834-CTG-C. GRCh37 (hg19) VCF-style: chr6-70451726-CTG-C.
Other names: c.296_297del, p.Thr99fs (NM_001363722.2, NM_001367271.1, NM_001367272.1); c.515_516delCA (NM_018368.3, NM_018368.4); short protein forms T172fs, T99fs.
Identifiers: ClinVar variation 517 (VCV000000517.15), dbSNP rs779151199, ClinGen allele CA3879871.